The following is an entry in ClinVar:

NM_015046.7(SETX):c.3469G>A (p.Val1157Ile)

Gene: SETX (senataxin; minus strand). Cytogenetic location: 9q34.13.
Variant type: single nucleotide variant.
Coding change: c.3469G>A on transcript NM_015046.7 (MANE Select); coding-DNA position 3469, G replaced by A.
Protein change: p.Val1157Ile; replaces valine 1157 with isoleucine.
Molecular consequence: missense variant.
Genome position (GRCh38, 1-based): chr9:132,328,129, C>T on the plus strand (G>A on the coding strand, the complement: SETX is on the minus strand). VCF-style: chr9-132328129-C-T. GRCh37 (hg19) VCF-style: chr9-135203516-C-T.
Other names: c.3469G>A, p.Val1157Ile (NM_001351527.2, NM_001351528.2); short protein forms V1157I.
Identifiers: ClinVar variation 1731709 (VCV001731709.2), dbSNP rs748505684, ClinGen allele CA200811267.

ClinVar aggregate classification (germline): Uncertain significance (1 of 4 stars; one submission).

Conditions:
Inborn genetic diseases. Identifiers: MedGen C0950123, MeSH D030342.

Allele frequency attached by ClinVar (database versions not stated): gnomAD exomes below 0.00001.
gnomAD v4.1: 2 of 1,613,984 alleles (0.00012%); highest among the groups gnomAD compares: East Asian, 0.0022%; no homozygotes.

Submission:

Ambry Genetics
Classification: Uncertain significance for Inborn genetic diseases. Last evaluated: 2022-02-09. Review status: criteria provided, single submitter. Criteria: Ambry Variant Classification Scheme 2023. Collection method: clinical testing. Allele origin: germline.
Comment: The p.V1157I variant (also known as c.3469G>A), located in coding exon 8 of the SETX gene, results from a G to A substitution at nucleotide position 3469. The valine at codon 1157 is replaced by isoleucine, an amino acid with highly similar properties. This amino acid position is conserved. In addition, this alteration is predicted to be tolerated by in silico analysis. Since supporting evidence is limited at this time, the clinical significance of this alteration remains unclear.